The following is an entry in ClinVar:

ClinVar aggregate classification (germline): Pathogenic/Likely pathogenic. Review status: criteria provided, multiple submitters, no conflicts (2 of 4 stars). 2 submissions from 2 submitters: Pathogenic (1); Likely pathogenic (1). Last evaluated 2026-03-20.

Conditions:
Myofibrillar myopathy 5. Also called: Filaminopathy (type); FILAMINOPATHY, AUTOSOMAL DOMINANT. Identifiers: Orphanet 171445, MedGen C1836050, MONDO:0012289, OMIM 609524.
Distal myopathy with posterior leg and anterior hand involvement. Also called: WILLIAMS DISTAL MYOPATHY. Identifiers: Orphanet 63273, MedGen C3279722, MONDO:0013550, OMIM 614065.
Hypertrophic cardiomyopathy 26. Also called: Cardiomyopathy, familial hypertrophic, 26. Identifiers: Orphanet 75249, MedGen C4310749, MONDO:0014883, OMIM 617047.

Allele frequency attached by ClinVar (database versions not stated): gnomAD exomes below 0.00001.

Submissions (2):

GeneDx
Classification: Likely pathogenic. Last evaluated: 2026-03-20. Review status: criteria provided, single submitter. Criteria: GeneDx Variant Classification Process June 2021. Collection method: clinical testing. Allele origin: germline.
Comment: Nonsense variant predicted to result in protein truncation or nonsense mediated decay in a gene for which loss of function is a known mechanism of disease; Not observed at significant frequency in large population cohorts (gnomAD); Has not been previously published as pathogenic or benign to our knowledge

Labcorp Genetics (formerly Invitae), Labcorp
Classification: Pathogenic for Distal myopathy with posterior leg and anterior hand involvement; Myofibrillar myopathy 5; Hypertrophic cardiomyopathy 26. Last evaluated: 2022-10-31. Review status: criteria provided, single submitter. Criteria: Invitae Variant Classification Sherloc (09022015). Collection method: clinical testing. Allele origin: germline.
Comment: This sequence change creates a premature translational stop signal (p.Gln1522*) in the FLNC gene. It is expected to result in an absent or disrupted protein product. Loss-of-function variants in FLNC are known to be pathogenic (PMID: 27908349). This variant is not present in population databases (gnomAD no frequency). This variant has not been reported in the literature in individuals affected with FLNC-related conditions. For these reasons, this variant has been classified as Pathogenic.

Literature cited by the submitters: PubMed 27908349 (cited by Labcorp Genetics (formerly Invitae), Labcorp).

NM_001458.5(FLNC):c.4564C>T (p.Gln1522Ter)

Gene: FLNC (filamin C; plus strand). Cytogenetic location: 7q32.1.
Variant type: single nucleotide variant.
Coding change: c.4564C>T on transcript NM_001458.5 (MANE Select); coding-DNA position 4564, C replaced by T.
Protein change: p.Gln1522Ter; replaces glutamine 1522 with a stop codon.
Molecular consequence: nonsense.
Genome position (GRCh38, 1-based): chr7:128,848,052, C>T. VCF-style: chr7-128848052-C-T. GRCh37 (hg19) VCF-style: chr7-128488106-C-T.
Other names: c.4564C>T, p.Gln1522Ter (NM_001127487.2); short protein forms Q1522*.
Identifiers: ClinVar variation 2094400 (VCV002094400.5), dbSNP rs2536646677, ClinGen allele CA369202024.
Genomic context (GRCh38, chr7:128,848,052, plus strand): 5'-ACTGTCCACTACACCCCAGCCACTGACGGGCCCTACACGGTAGCCGTCAAGTATGCTGAC[C>T]AGGAGGTGCCACGCAGGTGAGGACCAGCCCTGGGCTCCTGTGCTGCGGCTGAGCTCTGGG-3'